The following is an entry in ClinVar:

ClinVar aggregate classification (germline): Uncertain significance. Review status: criteria provided, multiple submitters, no conflicts (2 of 4 stars). 2 submissions from 2 submitters: Uncertain significance (2). Last evaluated 2025-07-02.

Conditions:
Familial focal epilepsy with variable foci (FPEVF). Identifiers: Orphanet 98820, MedGen C1858477, MONDO:0020310.

Submissions (2):

GeneDx
Classification: Uncertain significance. Last evaluated: 2025-07-02. Review status: criteria provided, single submitter. Criteria: GeneDx Variant Classification Process June 2021. Collection method: clinical testing. Allele origin: germline. Affected: yes.
Comment: Not observed at significant frequency in large population cohorts (gnomAD); In silico analysis suggests that this missense variant does not alter protein structure/function; Has not been previously published as pathogenic or benign to our knowledge

Labcorp Genetics (formerly Invitae), Labcorp
Classification: Uncertain significance for Familial focal epilepsy with variable foci. Last evaluated: 2017-06-16. Review status: criteria provided, single submitter. Criteria: Invitae Variant Classification Sherloc (09022015). Collection method: clinical testing. Allele origin: germline.
Comment: In summary, the available evidence is currently insufficient to determine the role of this variant in disease. Therefore, it has been classified as a Variant of Uncertain Significance. Algorithms developed to predict the effect of missense changes on protein structure and function do not agree on the potential impact of this missense change (SIFT: "Deleterious"; PolyPhen-2: "Benign"; Align-GVGD: "Class C0"). This variant has not been reported in the literature in individuals with DEPDC5-related disease. This variant is not present in population databases (ExAC no frequency). This sequence change replaces serine with glycine at codon 553 of the DEPDC5 protein (p.Ser553Gly). The serine residue is highly conserved and there is a small physicochemical difference between serine and glycine.

NM_001242896.3(DEPDC5):c.1657A>G (p.Ser553Gly)

Gene: DEPDC5 (DEP domain containing 5, GATOR1 subcomplex subunit; plus strand). Cytogenetic location: 22q12.3.
Variant type: single nucleotide variant.
Coding change: c.1657A>G on transcript NM_001242896.3 (MANE Select); coding-DNA position 1657, A replaced by G.
Protein change: p.Ser553Gly; replaces serine 553 with glycine.
Molecular consequence: missense variant. On other transcripts: non-coding transcript variant (5).
Genome position (GRCh38, 1-based): chr22:31,815,203, A>G. VCF-style: chr22-31815203-A-G. GRCh37 (hg19) VCF-style: chr22-32211189-A-G.
Other names: c.1657A>G, p.Ser553Gly (NM_001007188.4, NM_001136029.4, NM_001242897.2 and 7 more transcripts); c.1573A>G, p.Ser525Gly (NM_001369901.1, NM_001369902.1); short protein forms S553G, S525G.
Identifiers: ClinVar variation 466457 (VCV000466457.11), dbSNP rs1555885142, ClinGen allele CA411278552.